The following is an entry in ClinVar:

NM_001105206.3(LAMA4):c.4981+9A>G

Gene: LAMA4 (laminin subunit alpha 4; minus strand). Cytogenetic location: 6q21.
Variant type: single nucleotide variant.
Coding change: c.4981+9A>G on transcript NM_001105206.3 (MANE Select); 9 bases into the intron after coding-DNA position 4981, A replaced by G.
Molecular consequence: intron variant.
Genome position (GRCh38, 1-based): chr6:112,117,730, T>C on the plus strand (A>G on the coding strand, the complement: LAMA4 is on the minus strand). VCF-style: chr6-112117730-T-C. GRCh37 (hg19) VCF-style: chr6-112438933-T-C.
Other names: c.4960+9A>G (LRG_433t2, NM_002290.5, NM_001105207.3).
Identifiers: ClinVar variation 392345 (VCV000392345.1), dbSNP rs1057524450, ClinGen allele CA16605436.

ClinVar aggregate classification (germline): Likely benign (1 of 4 stars; one submission).

Submission:

GeneDx
Classification: Likely benign. Last evaluated: 2017-01-05. Review status: criteria provided, single submitter. Criteria: GeneDx Variant Classification (06012015). Collection method: clinical testing. Allele origin: germline. Affected: yes.
Comment: This variant is considered likely benign or benign based on one or more of the following criteria: it is a conservative change, it occurs at a poorly conserved position in the protein, it is predicted to be benign by multiple in silico algorithms, and/or has population frequency not consistent with disease.